The following is an entry in ClinVar:

NM_001130009.3(GEN1):c.1282G>A (p.Asp428Asn)

Gene: GEN1 (GEN1 structure-specific endonuclease; plus strand). Cytogenetic location: 2p24.2.
Variant type: single nucleotide variant.
Coding change: c.1282G>A on transcript NM_001130009.3 (MANE Select); coding-DNA position 1282, G replaced by A.
Protein change: p.Asp428Asn; replaces aspartic acid 428 with asparagine.
Molecular consequence: missense variant.
Genome position (GRCh38, 1-based): chr2:17,779,995, G>A. VCF-style: chr2-17779995-G-A. GRCh37 (hg19) VCF-style: chr2-17961262-G-A.
Other names: c.1282G>A, p.Asp428Asn (NM_182625.5); c.1282G>A (NM_001130009.1); short protein forms D428N.
Identifiers: ClinVar variation 1393950 (VCV001393950.10), dbSNP rs769957878, ClinGen allele CA1540739.

ClinVar aggregate classification (germline): Uncertain significance. Review status: criteria provided, multiple submitters, no conflicts (2 of 4 stars). 2 submissions from 2 submitters: Uncertain significance (2). Last evaluated 2024-12-22.

Allele frequency attached by ClinVar (database versions not stated): gnomAD exomes 0.00003 and 0.00006; gnomAD 0.00005; ExAC 0.00006.
gnomAD v4.1: 50 of 1,601,292 alleles (0.0031%); highest among the groups gnomAD compares: South Asian, 0.052%; no homozygotes.

Submissions (2):

Ambry Genetics
Classification: Uncertain significance. Last evaluated: 2024-12-22. Review status: criteria provided, single submitter. Criteria: Ambry Variant Classification Scheme 2023. Collection method: clinical testing. Allele origin: germline.
Comment: The p.D428N variant (also known as c.1282G>A), located in coding exon 12 of the GEN1 gene, results from a G to A substitution at nucleotide position 1282. The aspartic acid at codon 428 is replaced by asparagine, an amino acid with highly similar properties. This amino acid position is conserved. In addition, this alteration is predicted to be tolerated by in silico analysis. Based on the available evidence, the clinical significance of this variant remains unclear.

Labcorp Genetics (formerly Invitae), Labcorp
Classification: Uncertain significance. Last evaluated: 2022-03-14. Review status: criteria provided, single submitter. Criteria: Invitae Variant Classification Sherloc (09022015). Collection method: clinical testing. Allele origin: germline.
Comment: In summary, the available evidence is currently insufficient to determine the role of this variant in disease. Therefore, it has been classified as a Variant of Uncertain Significance. Algorithms developed to predict the effect of missense changes on protein structure and function (SIFT, PolyPhen-2, Align-GVGD) all suggest that this variant is likely to be tolerated. This variant has not been reported in the literature in individuals affected with GEN1-related conditions. This variant is present in population databases (rs769957878, gnomAD 0.05%). This sequence change replaces aspartic acid, which is acidic and polar, with asparagine, which is neutral and polar, at codon 428 of the GEN1 protein (p.Asp428Asn).